The following is an entry in ClinVar:

NM_019066.5(MAGEL2):c.196G>A (p.Glu66Lys)

Gene: MAGEL2 (MAGE family member L2; minus strand). Cytogenetic location: 15q11.2.
Variant type: single nucleotide variant.
Coding change: c.196G>A on transcript NM_019066.5 (MANE Select); coding-DNA position 196, G replaced by A.
Protein change: p.Glu66Lys; replaces glutamic acid 66 with lysine.
Molecular consequence: missense variant.
Genome position (GRCh38, 1-based): chr15:23,647,547, C>T on the plus strand (G>A on the coding strand, the complement: MAGEL2 is on the minus strand). VCF-style: chr15-23647547-C-T. GRCh37 (hg19) VCF-style: chr15-23892694-C-T.
Other names: short protein forms E66K.
Identifiers: ClinVar variation 4819081 (VCV004819081.2).
Genomic context (GRCh38, chr15:23,647,547, plus strand): 5'-CTAGGGCAGGAGGCTGGGTCATCGGAACCACCGGGGCGGGCAGCTGGCCCTGTGGGGCCT[C>T]CCAGGCAGGCTGAGGTGCCTGCCAAGCGGCCAATGAAGCCTGCAAGTCAATTGGAGGTGG-3'
Protein context (NP_061939.3, residues 56-76): AAWQAPQPAW[Glu66Lys]APQGQLPAPV

ClinVar aggregate classification (germline): Uncertain significance. Review status: criteria provided, multiple submitters, no conflicts (2 of 4 stars). 2 submissions from 2 submitters: Uncertain significance (2). Last evaluated 2025-11-26.

Conditions:
Schaaf-Yang syndrome (SHFYNG). Also called: Arthrogryposis, distal, with hypopituitarism, intellectual disability, and facial anomalies; MAGEL2-related Prader-Willi-like syndrome. Identifiers: Orphanet 398069, MedGen C5575066, MONDO:0014243, OMIM 615547.

Submissions (2):

Victorian Clinical Genetics Services, Murdoch Childrens Research Institute
Classification: Uncertain significance for Schaaf-Yang syndrome. Last evaluated: 2025-11-26. Review status: criteria provided, single submitter. Criteria: ACMG Guidelines, 2015. Collection method: clinical testing. Allele origin: germline.
Comment: This variant is classified as VUS-3B. Evidence in support of pathogenic classification: Variant is present in gnomAD <0.001 for a dominant condition (v4: 1 heterozygote(s), 0 homozygote(s).) Additional information: Variant is predicted to result in a missense amino acid change from Glu to Lys; This variant is heterozygous; This gene is associated with autosomal dominant disease; This variant has no previous evidence of pathogenicity; No published evidence of segregation with disease has been identified for this variant; No published functional evidence has been identified for this variant; No comparable missense variants have previous evidence for pathogenicity; Variant is not located in an established domain, motif, hotspot or informative constraint region; Missense variant with inconclusive in silico prediction and/or uninformative conservation; Loss of function is a likely mechanism of disease in this gene and is associated with Schaaf-Yang syndrome (MIM#615547) - This gene is known to be maternally imprinted (OMIM).

Blueprint Genetics
Classification: Uncertain significance. Last evaluated: 2022-04-26. Review status: criteria provided, single submitter. Criteria: ACMG Guidelines, 2015. Collection method: clinical testing. Allele origin: germline.